The following is an entry in ClinVar:

ClinVar aggregate classification (germline): Uncertain significance (1 of 4 stars; one submission).

Submission:

GeneDx
Classification: Uncertain significance. Last evaluated: 2023-12-11. Review status: criteria provided, single submitter. Criteria: GeneDx Variant Classification Process June 2021. Collection method: clinical testing. Allele origin: germline. Affected: yes.
Comment: Not observed at significant frequency in large population cohorts (gnomAD); In silico analysis supports that this missense variant does not alter protein structure/function; Has not been previously published as pathogenic or benign to our knowledge

NM_001291867.2(NHS):c.2422G>A (p.Gly808Ser)

Gene: NHS (NHS actin remodeling regulator; plus strand). Cytogenetic location: Xp22.13.
Variant type: single nucleotide variant.
Coding change: c.2422G>A on transcript NM_001291867.2 (MANE Select); coding-DNA position 2422, G replaced by A.
Protein change: p.Gly808Ser; replaces glycine 808 with serine.
Molecular consequence: missense variant.
Genome position (GRCh38, 1-based): chrX:17,726,528, G>A. VCF-style: chrX-17726528-G-A. GRCh37 (hg19) VCF-style: chrX-17744648-G-A.
Other names: c.1891G>A, p.Gly631Ser (NM_001136024.4); c.1828G>A, p.Gly610Ser (NM_001291868.2); c.2359G>A, p.Gly787Ser (NM_198270.4); short protein forms G610S, G631S, G787S, G808S.
Identifiers: ClinVar variation 3253354 (VCV003253354.1), dbSNP rs2519937128.